The following is an entry in ClinVar:

NM_000264.5(PTCH1):c.4078T>C (p.Ser1360Pro)

Gene: PTCH1 (patched 1; minus strand). Cytogenetic location: 9q22.32.
Variant type: single nucleotide variant.
Coding change: c.4078T>C on transcript NM_000264.5 (MANE Select); coding-DNA position 4078, T replaced by C.
Protein change: p.Ser1360Pro; replaces serine 1360 with proline.
Molecular consequence: missense variant. On other transcripts: non-coding transcript variant (1).
Genome position (GRCh38, 1-based): chr9:95,447,178, A>G on the plus strand (T>C on the coding strand, the complement: PTCH1 is on the minus strand). VCF-style: chr9-95447178-A-G. GRCh37 (hg19) VCF-style: chr9-98209460-A-G.
Other names: c.3880T>C, p.Ser1294Pro (NM_001083602.3); c.4075T>C, p.Ser1359Pro (NM_001083603.3); c.3625T>C, p.Ser1209Pro (NM_001083604.3, NM_001083605.3, NM_001083606.3 and 1 more transcripts); c.3922T>C, p.Ser1308Pro (NM_001354918.2); short protein forms S1294P, S1359P, S1308P, S1360P, S1209P.
Identifiers: ClinVar variation 969841 (VCV000969841.5), dbSNP rs1838003007, ClinGen allele CA374110361.

ClinVar aggregate classification (germline): Uncertain significance. Review status: criteria provided, multiple submitters, no conflicts (2 of 4 stars). 2 submissions from 2 submitters: Uncertain significance (2). Last evaluated 2026-07-11.

Conditions:
Hereditary cancer-predisposing syndrome. Also called: Neoplastic Syndromes, Hereditary; Hereditary Cancer Syndrome; Tumor predisposition; Hereditary neoplastic syndrome. Identifiers: Orphanet 140162, MedGen C0027672, MeSH D009386, MONDO:0015356.
Gorlin syndrome. Also called: Nevoid Basal Cell Carcinoma Syndrome; Basal cell nevus syndrome. Identifiers: Orphanet 377, MedGen C0004779, MONDO:0007187.

Submissions (2):

Ambry Genetics
Classification: Uncertain significance for Hereditary cancer-predisposing syndrome. Last evaluated: 2026-07-11. Review status: criteria provided, single submitter. Criteria: Ambry Variant Classification Scheme 2023. Collection method: clinical testing. Allele origin: germline.
Comment: The p.S1360P variant (also known as c.4078T>C), located in coding exon 23 of the PTCH1 gene, results from a T to C substitution at nucleotide position 4078. The serine at codon 1360 is replaced by proline, an amino acid with similar properties. This amino acid position is conserved. In addition, this alteration is predicted to be tolerated by in silico analysis. Based on the available evidence, the clinical significance of this variant remains unclear.

Labcorp Genetics (formerly Invitae), Labcorp
Classification: Uncertain significance for Gorlin syndrome. Last evaluated: 2024-01-26. Review status: criteria provided, single submitter. Criteria: Invitae Variant Classification Sherloc (09022015). Collection method: clinical testing. Allele origin: germline.
Comment: This sequence change replaces serine, which is neutral and polar, with proline, which is neutral and non-polar, at codon 1360 of the PTCH1 protein (p.Ser1360Pro). This variant is not present in population databases (gnomAD no frequency). This variant has not been reported in the literature in individuals affected with PTCH1-related conditions. ClinVar contains an entry for this variant (Variation ID: 969841). Advanced modeling of protein sequence and biophysical properties (such as structural, functional, and spatial information, amino acid conservation, physicochemical variation, residue mobility, and thermodynamic stability) performed at Invitae indicates that this missense variant is not expected to disrupt PTCH1 protein function with a negative predictive value of 95%. In summary, the available evidence is currently insufficient to determine the role of this variant in disease. Therefore, it has been classified as a Variant of Uncertain Significance.